The following is an entry in ClinVar:

NM_001382741.1(FBRSL1):c.790C>T (p.Leu264Phe)

Gene: FBRSL1 (fibrosin like 1; plus strand). Cytogenetic location: 12q24.33.
Variant type: single nucleotide variant.
Coding change: c.790C>T on transcript NM_001382741.1 (MANE Plus Clinical); coding-DNA position 790, C replaced by T.
Protein change: p.Leu264Phe; replaces leucine 264 with phenylalanine.
Molecular consequence: missense variant. On other transcripts: non-coding transcript variant (1), intron variant (5).
Genome position (GRCh38, 1-based): chr12:132,509,466, C>T. VCF-style: chr12-132509466-C-T. GRCh37 (hg19) VCF-style: chr12-133086052-C-T.
Other names: c.493C>T, p.Leu165Phe (NM_001382742.1); c.489+1116C>T (NM_001367871.1, NM_001382739.1, NM_001142641.2 and 2 more transcripts); short protein forms L165F, L264F.
Identifiers: ClinVar variation 4533547 (VCV004533547.6).

ClinVar aggregate classification (germline): Benign (1 of 4 stars; one submission).

gnomAD v4.1: 3,864 of 1,240,214 alleles (0.31%); highest among the groups gnomAD compares: Non-Finnish European, 0.35%; 8 homozygotes.

Submission:

CeGaT Center for Human Genetics Tuebingen
Classification: Benign. Last evaluated: 2025-11-01. Review status: criteria provided, single submitter. Criteria: CeGaT Center For Human Genetics Tuebingen Variant Classification Criteria Version 2. Collection method: clinical testing. Allele origin: germline. Affected: yes. Observed: 2 variant alleles.
Comment: FBRSL1: BS1, BS2